The following is an entry in ClinVar:

ClinVar aggregate classification (germline): Uncertain significance (1 of 4 stars; one submission).

Submission:

GeneDx
Classification: Uncertain significance. Last evaluated: 2024-11-21. Review status: criteria provided, single submitter. Criteria: GeneDx Variant Classification Process June 2021. Collection method: clinical testing. Allele origin: germline. Affected: yes.
Comment: Not observed at significant frequency in large population cohorts (gnomAD); In silico analysis supports that this missense variant has a deleterious effect on protein structure/function; Has not been previously published as pathogenic or benign to our knowledge

NM_020066.5(FMN2):c.4096C>A (p.Gln1366Lys)

Genes: FMN2 (formin 2; plus strand), LOC126806069 (CDK7 strongly-dependent group 2 enhancer GRCh37_chr1:240421073-240422272; plus strand). Cytogenetic location: 1q43.
Variant type: single nucleotide variant.
Coding change: c.4096C>A on transcript NM_020066.5 (MANE Select); coding-DNA position 4096, C replaced by A.
Protein change: p.Gln1366Lys; replaces glutamine 1366 with lysine.
Molecular consequence: missense variant.
Genome position (GRCh38, 1-based): chr1:240,257,975, C>A. VCF-style: chr1-240257975-C-A. GRCh37 (hg19) VCF-style: chr1-240421275-C-A.
Other names: c.4108C>A, p.Gln1370Lys (NM_001305424.2); c.2017C>A, p.Gln673Lys (NM_001348094.2); short protein forms Q1366K, Q1370K, Q673K.
Identifiers: ClinVar variation 3900446 (VCV003900446.1).